The following is an entry in ClinVar:

NM_153240.5(NPHP3):c.3971T>C (p.Phe1324Ser)

Genes: NPHP3 (nephrocystin 3; minus strand), NPHP3-ACAD11 (NPHP3-ACAD11 readthrough (NMD candidate); minus strand). Cytogenetic location: 3q22.1.
Variant type: single nucleotide variant.
Coding change: c.3971T>C on transcript NM_153240.5 (MANE Select); coding-DNA position 3971, T replaced by C.
Protein change: p.Phe1324Ser; replaces phenylalanine 1324 with serine.
Molecular consequence: missense variant. On other transcripts: non-coding transcript variant (1).
Genome position (GRCh38, 1-based): chr3:132,681,932, A>G on the plus strand (T>C on the coding strand, the complement: NPHP3 is on the minus strand). VCF-style: chr3-132681932-A-G. GRCh37 (hg19) VCF-style: chr3-132400776-A-G.
Other names: p.Phe1324Ser; short protein forms F1324S.
Identifiers: ClinVar variation 262714 (VCV000262714.23), dbSNP rs113364886, ClinGen allele CA2621594.

ClinVar aggregate classification (germline): Conflicting classifications of pathogenicity. Review status: criteria provided, conflicting classifications (1 of 4 stars). 7 submissions from 7 submitters: Uncertain significance (1); Benign (1); Likely benign (5). Last evaluated 2026-01-20.

Conditions:
Kidney disorder. Also called: Kidney disease; Kidney Diseases; renal disorder; Nephropathy; renal disease. Identifiers: MedGen C0022658, MONDO:0005240, HP:0000112.
Nephronophthisis. Also called: Juvenile Nephronophthisis. Identifiers: Orphanet 655, MedGen C0687120, MONDO:0019005, HP:0000090.

Allele frequency attached by ClinVar (database versions not stated): gnomAD exomes 0.00016 and 0.00031; ExAC 0.00038; ESP Exome Variant Server 0.00100; gnomAD 0.00120 and 0.00121; TOPMed 0.00144; 1000 Genomes Project 30x 0.00250; 1000 Genomes Project 0.00300.
gnomAD v4.1: 472 of 1,614,144 alleles (0.029%); highest among the groups gnomAD compares: African/African-American, 0.46%; 4 homozygotes.

Submissions (7):

Labcorp Genetics (formerly Invitae), Labcorp
Classification: Likely benign for Nephronophthisis. Last evaluated: 2026-01-20. Review status: criteria provided, single submitter. Criteria: Invitae Variant Classification Sherloc (09022015). Collection method: clinical testing. Allele origin: germline.

Mayo Clinic Laboratories, Mayo Clinic
Classification: Likely benign. Last evaluated: 2025-10-06. Review status: criteria provided, single submitter. Criteria: ACMG Guidelines, 2015. Collection method: clinical testing. Allele origin: germline. Observed: 2 variant alleles.
Comment: BS1, BP4

Blueprint Genetics
Classification: Likely benign. Last evaluated: 2024-10-02. Review status: criteria provided, single submitter. Criteria: ACMG Guidelines, 2015. Collection method: clinical testing. Allele origin: germline.

GeneDx
Classification: Likely benign. Last evaluated: 2020-04-27. Review status: criteria provided, single submitter. Criteria: GeneDx Variant Classification Process June 2021. Collection method: clinical testing. Allele origin: germline. Affected: yes.

Eurofins Ntd Llc (ga)
Classification: Likely benign. Last evaluated: 2017-07-06. Review status: criteria provided, single submitter. Criteria: EGL Classification Definitions 2015. Collection method: clinical testing. Allele origin: germline. Observed: 7 variant alleles, 7 heterozygotes.

Genome Diagnostics Laboratory, The Hospital for Sick Children
Classification: Uncertain significance for Kidney disorder. Last evaluated: 2017-02-06. Review status: criteria provided, single submitter. Criteria: ACMG Guidelines, 2015. Collection method: clinical testing. Allele origin: germline.

PreventionGenetics, part of Exact Sciences
Classification: Benign. Review status: criteria provided, single submitter. Criteria: ACMG Guidelines, 2015. Collection method: clinical testing. Allele origin: germline.